The following is an entry in ClinVar:

NM_001953.5(TYMP):c.1242G>A (p.Pro414=)

Genes: SCO2 (synthesis of cytochrome C oxidase 2; minus strand), TYMP (thymidine phosphorylase; minus strand), LOC130067862 (ATAC-STARR-seq lymphoblastoid silent region 13986; plus strand). Cytogenetic location: 22q13.33.
Variant type: single nucleotide variant.
Coding change: c.1242G>A on transcript NM_001953.5 (MANE Select); coding-DNA position 1242, G replaced by A.
Protein change: p.Pro414=; no amino-acid change (proline 414 retained).
Molecular consequence: synonymous variant. On other transcripts: 5 prime UTR variant (1), intron variant (1).
Genome position (GRCh38, 1-based): chr22:50,526,059, C>T on the plus strand (G>A on the coding strand, the complement: TYMP is on the minus strand). VCF-style: chr22-50526059-C-T. GRCh37 (hg19) VCF-style: chr22-50964488-C-T.
Other names: c.1242G>A (NM_001953.3); c.-72G>A (NM_001169110.1); c.-14+187G>A (NM_001169109.2); c.1242G>A, p.Pro414= (NM_001113755.3, NM_001113756.3, NM_001257988.1); c.1257G>A, p.Pro419= (NM_001257989.1).
Identifiers: ClinVar variation 764487 (VCV000764487.36), dbSNP rs1013301590, ClinGen allele CA325560346.
Genomic context (GRCh38, chr22:50,526,059, plus strand): 5'-ACCACGGCGCAGCCTCTGACCCACGTCGACCAGCAGCTCTGCGCCCACCCCCAGGCGGAG[C>T]GGCTCCCCAGCGCGGCTGCGCCCGGCCCCGAGCTCGTGCAGCACCAGCGCCAGCGGCAGC-3'
Protein context (NP_001944.1, residues 404-424): LGAGRSRAGE[Pro414=]LRLGVGAELL

ClinVar aggregate classification (germline): Likely benign. Review status: criteria provided, multiple submitters, no conflicts (2 of 4 stars). 6 submissions from 6 submitters: Likely benign (5). 1 of the submissions does not count toward it. Last evaluated 2026-05-01.

Conditions:
Mitochondrial neurogastrointestinal encephalomyopathy. Also called: MNGIE syndrome; Thymidine phosphorylase deficiency; Mitochondrial neurogastrointestinal encephalopathy syndrome. Identifiers: Orphanet 298, MedGen C0872218, MONDO:0017575.
TYMP-related disorder. Also called: TYMP-related condition.

Allele frequency attached by ClinVar (database versions not stated): gnomAD 0.00016 and 0.00015; 1000 Genomes Project 30x 0.00016; TOPMed 0.00018; gnomAD exomes 0.00010.
gnomAD v4.1: 467 of 1,482,378 alleles (0.032%); highest among the groups gnomAD compares: Non-Finnish European, 0.039%; 1 homozygote.

Submissions (6):

CeGaT Center for Human Genetics Tuebingen
Classification: Likely benign. Last evaluated: 2026-05-01. Review status: criteria provided, single submitter. Criteria: CeGaT Center For Human Genetics Tuebingen Variant Classification Criteria Version 2. Collection method: clinical testing. Allele origin: germline. Affected: yes. Observed: 3 variant alleles.
Comment: TYMP: BP4, BP7

Labcorp Genetics (formerly Invitae), Labcorp
Classification: Likely benign. Last evaluated: 2026-01-22. Review status: criteria provided, single submitter. Criteria: Invitae Variant Classification Sherloc (09022015). Collection method: clinical testing. Allele origin: germline.

PreventionGenetics, part of Exact Sciences
Classification: Likely benign for TYMP-related condition. Last evaluated: 2025-03-07. Review status: criteria provided, single submitter. Criteria: ACMG Guidelines, 2015. Collection method: clinical testing. Allele origin: germline.
Comment: This variant is classified as likely benign based on ACMG/AMP sequence variant interpretation guidelines (Richards et al. 2015 PMID: 25741868, with internal and published modifications).

Blueprint Genetics
Classification: Likely benign. Last evaluated: 2024-05-28. Review status: criteria provided, single submitter. Criteria: ACMG Guidelines, 2015. Collection method: clinical testing. Allele origin: germline.

GeneDx
Classification: Likely benign. Last evaluated: 2019-10-07. Review status: criteria provided, single submitter. Criteria: GeneDx Variant Classification Process June 2021. Collection method: clinical testing. Allele origin: germline. Affected: yes.

Natera, Inc.
Classification: Likely benign for Mitochondrial neurogastrointestinal encephalomyopathy. Last evaluated: 2020-06-09. Review status: no assertion criteria provided. Collection method: clinical testing. Allele origin: germline. Not counted in ClinVar's aggregate classification.